The following is an entry in ClinVar:

ClinVar aggregate classification (germline): Uncertain significance (1 of 4 stars; one submission).

Allele frequency attached by ClinVar (database versions not stated): gnomAD exomes below 0.00001.
gnomAD v4.1: 1 of 1,614,240 alleles (0.000062%); highest among the groups gnomAD compares: Non-Finnish European, 0.000085%; no homozygotes.

Submission:

Labcorp Genetics (formerly Invitae), Labcorp
Classification: Uncertain significance. Last evaluated: 2022-11-15. Review status: criteria provided, single submitter. Criteria: Invitae Variant Classification Sherloc (09022015). Collection method: clinical testing. Allele origin: germline.
Comment: In summary, the available evidence is currently insufficient to determine the role of this variant in disease. Therefore, it has been classified as a Variant of Uncertain Significance. This sequence change replaces isoleucine, which is neutral and non-polar, with valine, which is neutral and non-polar, at codon 73 of the GALNT3 protein (p.Ile73Val). This variant is present in population databases (no rsID available, gnomAD 0.004%). This variant has not been reported in the literature in individuals affected with GALNT3-related conditions. Algorithms developed to predict the effect of missense changes on protein structure and function (SIFT, PolyPhen-2, Align-GVGD) all suggest that this variant is likely to be tolerated.

NM_004482.4(GALNT3):c.217A>G (p.Ile73Val)

Gene: GALNT3 (polypeptide N-acetylgalactosaminyltransferase 3; minus strand). Cytogenetic location: 2q24.3.
Variant type: single nucleotide variant.
Coding change: c.217A>G on transcript NM_004482.4 (MANE Select); coding-DNA position 217, A replaced by G.
Protein change: p.Ile73Val; replaces isoleucine 73 with valine.
Molecular consequence: missense variant.
Genome position (GRCh38, 1-based): chr2:165,770,484, T>C on the plus strand (A>G on the coding strand, the complement: GALNT3 is on the minus strand). VCF-style: chr2-165770484-T-C. GRCh37 (hg19) VCF-style: chr2-166626994-T-C.
Other names: short protein forms I73V.
Identifiers: ClinVar variation 1975347 (VCV001975347.5), dbSNP rs1425657073, ClinGen allele CA349044099.